The following is an entry in ClinVar:

NM_006922.4(SCN3A):c.265A>T (p.Thr89Ser)

Gene: SCN3A (sodium voltage-gated channel alpha subunit 3; minus strand). Cytogenetic location: 2q24.3.
Variant type: single nucleotide variant.
Coding change: c.265A>T on transcript NM_006922.4 (MANE Select); coding-DNA position 265, A replaced by T.
Protein change: p.Thr89Ser; replaces threonine 89 with serine.
Molecular consequence: missense variant.
Genome position (GRCh38, 1-based): chr2:165,170,548, T>A on the plus strand (A>T on the coding strand, the complement: SCN3A is on the minus strand). VCF-style: chr2-165170548-T-A. GRCh37 (hg19) VCF-style: chr2-166027058-T-A.
Other names: c.265A>T, p.Thr89Ser (NM_001081676.2, NM_001081677.2); short protein forms T89S.
Identifiers: ClinVar variation 3371318 (VCV003371318.1).

ClinVar aggregate classification (germline): Uncertain significance (1 of 4 stars; one submission).

gnomAD v4.1: 1 of 1,562,282 alleles (0.000064%); highest among the groups gnomAD compares: Non-Finnish European, 0.000088%; no homozygotes.

Submission:

GeneDx
Classification: Uncertain significance. Last evaluated: 2024-03-21. Review status: criteria provided, single submitter. Criteria: GeneDx Variant Classification Process June 2021. Collection method: clinical testing. Allele origin: germline. Affected: yes.
Comment: Not observed at significant frequency in large population cohorts (gnomAD); In silico analysis supports that this missense variant has a deleterious effect on protein structure/function; In silico analysis is inconclusive as to whether the variant alters gene splicing. In the absence of RNA/functional studies, the actual effect of this sequence change is unknown.; Has not been previously published as pathogenic or benign to our knowledge